The following is an entry in ClinVar:

NM_000232.5(SGCB):c.*2907T>C

Gene: SGCB (sarcoglycan beta; minus strand). Cytogenetic location: 4q12.
Variant type: single nucleotide variant.
Coding change: c.*2907T>C on transcript NM_000232.5 (MANE Select); 2907 bases downstream of the stop codon, T replaced by C.
Molecular consequence: 3 prime UTR variant.
Genome position (GRCh38, 1-based): chr4:52,021,050, A>G on the plus strand (T>C on the coding strand, the complement: SGCB is on the minus strand). VCF-style: chr4-52021050-A-G. GRCh37 (hg19) VCF-style: chr4-52887216-A-G.
Identifiers: ClinVar variation 348851 (VCV000348851.35), dbSNP rs138349341, ClinGen allele CA10621110.

ClinVar aggregate classification (germline): Likely benign. Review status: criteria provided, multiple submitters, no conflicts (2 of 4 stars). 2 submissions from 2 submitters: Likely benign (2). Last evaluated 2023-02-01.

Conditions:
Qualitative or quantitative defects of beta-sarcoglycan. Identifiers: Orphanet 207063, MedGen C2930900, MONDO:0016142.

Allele frequency attached by ClinVar (database versions not stated): 1000 Genomes Project 0.00220; 1000 Genomes Project 30x 0.00250; gnomAD 0.00483 and 0.00486; TOPMed 0.00556.

Submissions (2):

CeGaT Center for Human Genetics Tuebingen
Classification: Likely benign. Last evaluated: 2023-02-01. Review status: criteria provided, single submitter. Criteria: CeGaT Center For Human Genetics Tuebingen Variant Classification Criteria Version 2. Collection method: clinical testing. Allele origin: germline. Affected: yes. Observed: 3 variant alleles.
Comment: SGCB: BS2

Illumina Laboratory Services, Illumina
Classification: Likely benign for Qualitative or quantitative defects of beta-sarcoglycan. Last evaluated: 2018-01-12. Review status: criteria provided, single submitter. Criteria: ICSL Variant Classification Criteria 13 December 2019. Collection method: clinical testing. Allele origin: germline.
Comment: This variant was observed in the ICSL laboratory as part of a predisposition screen in an ostensibly healthy population. It had not been previously curated by ICSL or reported in the Human Gene Mutation Database (HGMD: prior to June 1st, 2018), and was therefore a candidate for classification through an automated scoring system. Utilizing variant allele frequency, disease prevalence and penetrance estimates, and inheritance mode, an automated score was calculated to assess if this variant is too frequent to cause the disease. Based on the score and internal cut-off values, a variant classified as likely benign is not then subjected to further curation. The score for this variant resulted in a classification of likely benign for this disease.